The following is an entry in ClinVar:

ClinVar aggregate classification (germline): Uncertain significance (1 of 4 stars; one submission).

Submission:

CeGaT Center for Human Genetics Tuebingen
Classification: Uncertain significance. Last evaluated: 2023-02-01. Review status: criteria provided, single submitter. Criteria: CeGaT Center For Human Genetics Tuebingen Variant Classification Criteria Version 2. Collection method: clinical testing. Allele origin: germline. Affected: yes. Observed: 1 variant allele.
Comment: NUP88: PM2

NM_002532.6(NUP88):c.2010T>A (p.Asp670Glu)

Gene: NUP88 (nucleoporin 88; minus strand). Cytogenetic location: 17p13.2.
Variant type: single nucleotide variant.
Coding change: c.2010T>A on transcript NM_002532.6 (MANE Select); coding-DNA position 2010, T replaced by A.
Protein change: p.Asp670Glu; replaces aspartic acid 670 with glutamic acid.
Molecular consequence: missense variant.
Genome position (GRCh38, 1-based): chr17:5,387,017, A>T on the plus strand (T>A on the coding strand, the complement: NUP88 is on the minus strand). VCF-style: chr17-5387017-A-T. GRCh37 (hg19) VCF-style: chr17-5290337-A-T.
Other names: c.2058T>A, p.Asp686Glu (NM_001320653.2); short protein forms D670E, D686E.
Identifiers: ClinVar variation 2647296 (VCV002647296.24), dbSNP rs2507620685, ClinGen allele CA397372650.